The following is an entry in ClinVar:

NM_000214.3(JAG1):c.2759T>C (p.Ile920Thr)

Gene: JAG1 (jagged canonical Notch ligand 1; minus strand). Cytogenetic location: 20p12.2.
Variant type: single nucleotide variant.
Coding change: c.2759T>C on transcript NM_000214.3 (MANE Select); coding-DNA position 2759, T replaced by C.
Protein change: p.Ile920Thr; replaces isoleucine 920 with threonine.
Molecular consequence: missense variant.
Genome position (GRCh38, 1-based): chr20:10,641,617, A>G on the plus strand (T>C on the coding strand, the complement: JAG1 is on the minus strand). VCF-style: chr20-10641617-A-G. GRCh37 (hg19) VCF-style: chr20-10622265-A-G.
Other names: short protein forms I920T.
Identifiers: ClinVar variation 2997223 (VCV002997223.3), dbSNP rs2514509219, ClinGen allele CA408245032.

ClinVar aggregate classification (germline): Uncertain significance (1 of 4 stars; one submission).

Conditions:
Alagille syndrome due to a JAG1 point mutation. Also called: JAG1-Related Alagille Syndrome; HEPATIC DUCTULAR HYPOPLASIA, SYNDROMATIC; Alagille Syndrome 1. Identifiers: Orphanet 261619, Orphanet 52, MedGen C1956125, MONDO:0016862, OMIM 118450.

Submission:

Labcorp Genetics (formerly Invitae), Labcorp
Classification: Uncertain significance for Alagille syndrome due to a JAG1 point mutation. Last evaluated: 2023-06-03. Review status: criteria provided, single submitter. Criteria: Invitae Variant Classification Sherloc (09022015). Collection method: clinical testing. Allele origin: germline.
Comment: This sequence change replaces isoleucine, which is neutral and non-polar, with threonine, which is neutral and polar, at codon 920 of the JAG1 protein (p.Ile920Thr). This variant is not present in population databases (gnomAD no frequency). This variant has not been reported in the literature in individuals affected with JAG1-related conditions. Advanced modeling of protein sequence and biophysical properties (such as structural, functional, and spatial information, amino acid conservation, physicochemical variation, residue mobility, and thermodynamic stability) performed at Invitae indicates that this missense variant is not expected to disrupt JAG1 protein function. In summary, the available evidence is currently insufficient to determine the role of this variant in disease. Therefore, it has been classified as a Variant of Uncertain Significance.